The following is an entry in ClinVar:

NM_005228.5(EGFR):c.240+3del

Gene: EGFR (epidermal growth factor receptor; plus strand). Cytogenetic location: 7p11.2.
Variant type: Deletion.
Coding change: c.240+3del on transcript NM_005228.5 (MANE Select); 3 bases into the intron after coding-DNA position 240, one base deleted (T; older notation c.240+3delT).
Molecular consequence: splice donor variant. On other transcripts: intron variant (1).
Genome position (GRCh38, 1-based): chr7:55,142,440, T deleted; the last of 2 consecutive T bases (chr7:55,142,439-55,142,440); deleting either gives the same sequence. VCF-style (leftmost placement, unchanged base first): chr7-55142438-GT-G. GRCh37 (hg19) VCF-style: chr7-55210131-GT-G.
Other names: c.240+3del (NM_001346899.2, NM_001346898.2, NM_001346897.2 and 3 more transcripts); c.89-13390del (NM_001346941.2); c.81+3del (NM_001346900.2).
Identifiers: ClinVar variation 4638234 (VCV004638234.1).

ClinVar aggregate classification (germline): Uncertain significance (1 of 4 stars; one submission).

Conditions:
Hereditary cancer-predisposing syndrome. Also called: Neoplastic Syndromes, Hereditary; Tumor predisposition; Hereditary Cancer Syndrome; Hereditary neoplastic syndrome. Identifiers: Orphanet 140162, MedGen C0027672, MeSH D009386, MONDO:0015356.

Submission:

Ambry Genetics
Classification: Uncertain significance for Hereditary cancer-predisposing syndrome. Last evaluated: 2025-12-08. Review status: criteria provided, single submitter. Criteria: Ambry Variant Classification Scheme 2023. Collection method: clinical testing. Allele origin: germline.
Comment: The c.240+3delT intronic variant, located in intron 2 of the EGFR gene, results from a deletion of one nucleotide within intron 2 of the EGFR gene. This nucleotide position is not well conserved in available vertebrate species. In silico splice site analysis predicts that this alteration will not have any significant effect on splicing. Based on the available evidence, the clinical significance of this variant remains unclear.